The following is an entry in ClinVar:

NM_181776.3(SLC36A2):c.1041dup (p.Ala348fs)

Gene: SLC36A2 (solute carrier family 36 member 2; minus strand). Cytogenetic location: 5q33.1.
Variant type: Duplication.
Coding change: c.1041dup on transcript NM_181776.3 (MANE Select); coding-DNA position 1041, one base duplicated (T; older notation c.1041dupT).
Protein change: p.Ala348fs; shifts the reading frame from alanine 348.
Molecular consequence: frameshift variant.
Genome position (GRCh38, 1-based): chr5:151,322,185, A duplicated on the plus strand (T on the coding strand, the reverse complement: SLC36A2 is on the minus strand); the first of 2 consecutive A bases (chr5:151,322,185-151,322,186); duplicating either gives the same sequence. VCF-style (leftmost placement, unchanged base first): chr5-151322184-C-CA. GRCh37 (hg19) VCF-style: chr5-150701745-C-CA.
Other names: short protein forms A348fs.
Identifiers: ClinVar variation 2777680 (VCV002777680.3), dbSNP rs867068485, ClinGen allele CA129894307.

ClinVar aggregate classification (germline): Uncertain significance (1 of 4 stars; one submission).

Submission:

Labcorp Genetics (formerly Invitae), Labcorp
Classification: Uncertain significance. Last evaluated: 2023-03-31. Review status: criteria provided, single submitter. Criteria: Invitae Variant Classification Sherloc (09022015). Collection method: clinical testing. Allele origin: germline.
Comment: In summary, the available evidence is currently insufficient to determine the role of this variant in disease. Therefore, it has been classified as a Variant of Uncertain Significance. Experimental studies and prediction algorithms are not available or were not evaluated, and the functional significance of this variant is currently unknown. This variant has not been reported in the literature in individuals affected with SLC36A2-related conditions. This variant is not present in population databases (gnomAD no frequency). This sequence change results in a frameshift in the SLC36A2 gene (p.Ala348Cysfs*177). While this is not anticipated to result in nonsense mediated decay, it is expected to disrupt the last 136 amino acid(s) of the SLC36A2 protein and extend the protein by 40 additional amino acid residues.